The following is an entry in ClinVar:

NM_001145860.2(POP1):c.1205A>G (p.Asp402Gly)

Gene: POP1 (POP1 ribonuclease P/MRP subunit; plus strand). Cytogenetic location: 8q22.2.
Variant type: single nucleotide variant.
Coding change: c.1205A>G on transcript NM_001145860.2 (MANE Select); coding-DNA position 1205, A replaced by G.
Protein change: p.Asp402Gly; replaces aspartic acid 402 with glycine.
Molecular consequence: missense variant.
Genome position (GRCh38, 1-based): chr8:98,136,675, A>G. VCF-style: chr8-98136675-A-G. GRCh37 (hg19) VCF-style: chr8-99148903-A-G.
Other names: c.1205A>G, p.Asp402Gly (NM_001145861.2, NM_015029.3); c.1205A>G (NM_015029.2); short protein forms D402G.
Identifiers: ClinVar variation 1494887 (VCV001494887.7), dbSNP rs369697833, ClinGen allele CA371792834.

ClinVar aggregate classification (germline): Uncertain significance. Review status: criteria provided, multiple submitters, no conflicts (2 of 4 stars). 2 submissions from 2 submitters: Uncertain significance (2). Last evaluated 2025-02-24.

Conditions:
Inborn genetic diseases. Identifiers: MedGen C0950123, MeSH D030342.

gnomAD v4.1: 11 of 1,612,862 alleles (0.00068%); highest among the groups gnomAD compares: African/African-American, 0.011%; no homozygotes.

Submissions (2):

Ambry Genetics
Classification: Uncertain significance for Inborn genetic diseases. Last evaluated: 2025-02-24. Review status: criteria provided, single submitter. Criteria: Ambry Variant Classification Scheme 2023. Collection method: clinical testing. Allele origin: germline.

Labcorp Genetics (formerly Invitae), Labcorp
Classification: Uncertain significance. Last evaluated: 2022-05-27. Review status: criteria provided, single submitter. Criteria: Invitae Variant Classification Sherloc (09022015). Collection method: clinical testing. Allele origin: germline.
Comment: In summary, the available evidence is currently insufficient to determine the role of this variant in disease. Therefore, it has been classified as a Variant of Uncertain Significance. Algorithms developed to predict the effect of missense changes on protein structure and function are either unavailable or do not agree on the potential impact of this missense change (SIFT: "Tolerated"; PolyPhen-2: "Probably Damaging"; Align-GVGD: "Class C0"). This variant has not been reported in the literature in individuals affected with POP1-related conditions. This variant is present in population databases (no rsID available, gnomAD 0.008%). This sequence change replaces aspartic acid, which is acidic and polar, with glycine, which is neutral and non-polar, at codon 402 of the POP1 protein (p.Asp402Gly).